The following is an entry in ClinVar:

ClinVar aggregate classification (germline): Benign (1 of 4 stars; one submission).

Allele frequency attached by ClinVar (database versions not stated): ESP Exome Variant Server 0.00038; TOPMed 0.00114; gnomAD exomes 0.00160; gnomAD 0.00163; ExAC 0.00243; 1000 Genomes Project 30x 0.00437; 1000 Genomes Project 0.00499.
gnomAD v4.1: 2,596 of 1,614,222 alleles (0.16%); highest among the groups gnomAD compares: East Asian, 2.7%; 38 homozygotes.

Submission:

CeGaT Center for Human Genetics Tuebingen
Classification: Benign. Last evaluated: 2024-01-01. Review status: criteria provided, single submitter. Criteria: CeGaT Center For Human Genetics Tuebingen Variant Classification Criteria Version 2. Collection method: clinical testing. Allele origin: germline. Affected: yes. Observed: 4 variant alleles.
Comment: HPDL: BP4, BP7, BS1, BS2

NM_032756.4(HPDL):c.1065A>G (p.Arg355=)

Gene: HPDL (4-hydroxyphenylpyruvate dioxygenase like; plus strand). Cytogenetic location: 1p34.1.
Variant type: single nucleotide variant.
Coding change: c.1065A>G on transcript NM_032756.4 (MANE Select); coding-DNA position 1065, A replaced by G.
Protein change: p.Arg355=; no amino-acid change (arginine 355 retained).
Molecular consequence: synonymous variant.
Genome position (GRCh38, 1-based): chr1:45,328,213, A>G. VCF-style: chr1-45328213-A-G. GRCh37 (hg19) VCF-style: chr1-45793885-A-G.
Identifiers: ClinVar variation 2638790 (VCV002638790.24), dbSNP rs79702595, ClinGen allele CA826387.